The following is an entry in ClinVar:

NM_138694.4(PKHD1):c.2511G>A (p.Lys837=)

Gene: PKHD1 (PKHD1 ciliary IPT domain containing fibrocystin/polyductin; minus strand). Cytogenetic location: 6p12.2.
Variant type: single nucleotide variant.
Coding change: c.2511G>A on transcript NM_138694.4 (MANE Select); coding-DNA position 2511, G replaced by A.
Protein change: p.Lys837=; no amino-acid change (lysine 837 retained).
Molecular consequence: synonymous variant.
Genome position (GRCh38, 1-based): chr6:52,046,085, C>T on the plus strand (G>A on the coding strand, the complement: PKHD1 is on the minus strand). VCF-style: chr6-52046085-C-T. GRCh37 (hg19) VCF-style: chr6-51910883-C-T.
Other names: c.2511G>A, p.Lys837= (NM_170724.3).
Identifiers: ClinVar variation 4998947 (VCV004998947.1).

ClinVar aggregate classification (germline): Likely benign (1 of 4 stars; one submission).

Conditions:
PKHD1-related disorder. Also called: PKHD1-related condition.

gnomAD v4.1: 1 of 1,613,450 alleles (0.000062%); highest among the groups gnomAD compares: African/African-American, 0.0013%; no homozygotes.

Submission:

PreventionGenetics, part of Exact Sciences
Classification: Likely benign for PKHD1-related condition. Last evaluated: 2025-05-12. Review status: criteria provided, single submitter. Criteria: ACMG Guidelines, 2015. Collection method: clinical testing. Allele origin: germline.
Comment: This variant is classified as likely benign based on ACMG/AMP sequence variant interpretation guidelines (Richards et al. 2015 PMID: 25741868, with internal and published modifications).